The following is an entry in ClinVar:

ClinVar aggregate classification (germline): Uncertain significance (1 of 4 stars; one submission).

Conditions:
Familial cancer of breast. Also called: Hereditary breast cancer; BREAST CANCER, FAMILIAL; hereditary breast carcinoma. Identifiers: Orphanet 227535, MedGen C0346153, MONDO:0016419, OMIM 114480. Disease mechanism: loss of function.
Fanconi anemia complementation group J. Also called: BRIP1-Related Fanconi Anemia. Identifiers: Orphanet 84, MedGen C1836860, MONDO:0012187, OMIM 609054.

Submission:

Labcorp Genetics (formerly Invitae), Labcorp
Classification: Uncertain significance for Familial cancer of breast; Fanconi anemia complementation group J. Last evaluated: 2022-10-10. Review status: criteria provided, single submitter. Criteria: Invitae Variant Classification Sherloc (09022015). Collection method: clinical testing. Allele origin: germline.
Comment: In summary, the available evidence is currently insufficient to determine the role of this variant in disease. Therefore, it has been classified as a Variant of Uncertain Significance. Advanced modeling of protein sequence and biophysical properties (such as structural, functional, and spatial information, amino acid conservation, physicochemical variation, residue mobility, and thermodynamic stability) performed at Invitae indicates that this missense variant is expected to disrupt BRIP1 protein function. This variant has not been reported in the literature in individuals affected with BRIP1-related conditions. This variant is not present in population databases (gnomAD no frequency). This sequence change replaces phenylalanine, which is neutral and non-polar, with leucine, which is neutral and non-polar, at codon 786 of the BRIP1 protein (p.Phe786Leu).

NM_032043.3(BRIP1):c.2356T>C (p.Phe786Leu)

Gene: BRIP1 (BRCA1 interacting DNA helicase 1; minus strand). Cytogenetic location: 17q23.2.
Variant type: single nucleotide variant.
Coding change: c.2356T>C on transcript NM_032043.3 (MANE Select); coding-DNA position 2356, T replaced by C.
Protein change: p.Phe786Leu; replaces phenylalanine 786 with leucine.
Molecular consequence: missense variant.
Genome position (GRCh38, 1-based): chr17:61,743,036, A>G on the plus strand (T>C on the coding strand, the complement: BRIP1 is on the minus strand). VCF-style: chr17-61743036-A-G. GRCh37 (hg19) VCF-style: chr17-59820397-A-G.
Other names: short protein forms F786L.
Identifiers: ClinVar variation 2105167 (VCV002105167.4), dbSNP rs2144675767, ClinGen allele CA400482570.